The following is an entry in ClinVar:

ClinVar aggregate classification (germline): Uncertain significance. Review status: criteria provided, multiple submitters, no conflicts (2 of 4 stars). 2 submissions from 2 submitters: Uncertain significance (2). Last evaluated 2026-07-06.

Conditions:
Hereditary cancer-predisposing syndrome. Also called: Hereditary neoplastic syndrome; Hereditary Cancer Syndrome; Neoplastic Syndromes, Hereditary; Tumor predisposition. Identifiers: Orphanet 140162, MedGen C0027672, MeSH D009386, MONDO:0015356.

Submissions (2):

Ambry Genetics
Classification: Uncertain significance for Hereditary cancer-predisposing syndrome. Last evaluated: 2026-07-06. Review status: criteria provided, single submitter. Criteria: Ambry Variant Classification Scheme 2023. Collection method: clinical testing. Allele origin: germline.
Comment: The p.L770V variant (also known as c.2308C>G), located in coding exon 14 of the DICER1 gene, results from a C to G substitution at nucleotide position 2308. The leucine at codon 770 is replaced by valine, an amino acid with highly similar properties. This amino acid position is conserved. In addition, this alteration is predicted to be deleterious by in silico analysis. Based on the available evidence, the clinical significance of this variant remains unclear.

GeneDx
Classification: Uncertain significance. Last evaluated: 2023-05-01. Review status: criteria provided, single submitter. Criteria: GeneDx Variant Classification Process June 2021. Collection method: clinical testing. Allele origin: germline. Affected: yes.
Comment: Not observed at significant frequency in large population cohorts (gnomAD); In silico analysis supports that this missense variant does not alter protein structure/function; Has not been previously published as pathogenic or benign to our knowledge

NM_177438.3(DICER1):c.2308C>G (p.Leu770Val)

Gene: DICER1 (dicer 1, ribonuclease III; minus strand). Cytogenetic location: 14q32.13.
Variant type: single nucleotide variant.
Coding change: c.2308C>G on transcript NM_177438.3 (MANE Select); coding-DNA position 2308, C replaced by G.
Protein change: p.Leu770Val; replaces leucine 770 with valine.
Molecular consequence: missense variant. On other transcripts: non-coding transcript variant (6).
Genome position (GRCh38, 1-based): chr14:95,108,452, G>C on the plus strand (C>G on the coding strand, the complement: DICER1 is on the minus strand). VCF-style: chr14-95108452-G-C. GRCh37 (hg19) VCF-style: chr14-95574789-G-C.
Other names: c.2308C>G, p.Leu770Val (NM_001195573.1, NM_001271282.3, NM_001291628.2 and 13 more transcripts); c.2026C>G, p.Leu676Val (NM_001395686.1); c.1903C>G, p.Leu635Val (NM_001395687.1, NM_001395688.1, NM_001395689.1 and 2 more transcripts); c.1741C>G, p.Leu581Val (NM_001395691.1); c.625C>G, p.Leu209Val (NM_001395697.1); short protein forms L209V, L581V, L635V, L676V, L770V.
Identifiers: ClinVar variation 2662075 (VCV002662075.2), dbSNP rs2542856197, ClinGen allele CA390882326.